The following is an entry in ClinVar:

NM_001851.6(COL9A1):c.1519C>T (p.Arg507Ter)

Gene: COL9A1 (collagen type IX alpha 1 chain; minus strand). Cytogenetic location: 6q13.
Variant type: single nucleotide variant.
Coding change: c.1519C>T on transcript NM_001851.6 (MANE Select); coding-DNA position 1519, C replaced by T.
Protein change: p.Arg507Ter; replaces arginine 507 with a stop codon.
Molecular consequence: nonsense. On other transcripts: non-coding transcript variant (1).
Genome position (GRCh38, 1-based): chr6:70,255,375, G>A on the plus strand (C>T on the coding strand, the complement: COL9A1 is on the minus strand). VCF-style: chr6-70255375-G-A. GRCh37 (hg19) VCF-style: chr6-70965078-G-A.
Other names: c.790C>T, p.Arg264Ter (NM_001377289.1, NM_001377290.1, NM_078485.4); short protein forms R507*, R264*.
Identifiers: ClinVar variation 161449 (VCV000161449.12), dbSNP rs189754995, ClinGen allele CA273005.
Genomic context (GRCh38, chr6:70,255,375, plus strand): 5'-GAGTGACTGAATTTAAACTCACTCTATCTCCTTTGGGACCTGCTTCTCCTGGAGGTCCTC[G>A]CTGTCCTTGATCACCCTGTATGAAAATAAAATTTTGTTAATACAAGAAAAAGTTACTTAT-3'

ClinVar aggregate classification (germline): Pathogenic. Review status: criteria provided, multiple submitters, no conflicts (2 of 4 stars). 3 submissions from 3 submitters: Pathogenic (2). 1 of the submissions does not count toward it. Last evaluated 2024-10-23.

Conditions:
Connective tissue disorder. Also called: Connective tissue disease. Identifiers: MedGen C0009782, MONDO:0003900.
Stickler syndrome, type 4 (STL4). Identifiers: Orphanet 250984, Orphanet 828, MedGen C3279941, MONDO:0013590, OMIM 614134.

Allele frequency attached by ClinVar (database versions not stated): gnomAD 0.00001; gnomAD exomes 0.00001; TOPMed 0.00001.
gnomAD v4.1: 5 of 1,613,952 alleles (0.00031%); highest among the groups gnomAD compares: South Asian, 0.0011%; no homozygotes.

Submissions (3):

Labcorp Genetics (formerly Invitae), Labcorp
Classification: Pathogenic. Last evaluated: 2024-10-23. Review status: criteria provided, single submitter. Criteria: Invitae Variant Classification Sherloc (09022015). Collection method: clinical testing. Allele origin: germline.
Comment: This sequence change creates a premature translational stop signal (p.Arg507*) in the COL9A1 gene. It is expected to result in an absent or disrupted protein product. Loss-of-function variants in COL9A1 are known to be pathogenic (PMID: 16909383, 21421862). This variant is not present in population databases (gnomAD no frequency). This premature translational stop signal has been observed in individual(s) with Stickler syndrome (PMID: 21421862). It has also been observed to segregate with disease in related individuals. ClinVar contains an entry for this variant (Variation ID: 161449). For these reasons, this variant has been classified as Pathogenic.

Genome Diagnostics Laboratory, The Hospital for Sick Children
Classification: Pathogenic for Connective tissue disorder. Last evaluated: 2020-10-30. Review status: criteria provided, single submitter. Criteria: ACMG Guidelines, 2015. Collection method: clinical testing. Allele origin: germline.

OMIM
Classification: Pathogenic for STICKLER SYNDROME, TYPE IV. Last evaluated: 2011-07-01. Review status: no assertion criteria provided. Collection method: literature only. Allele origin: germline. Not counted in ClinVar's aggregate classification.

Literature cited by the submitters: PubMed 16909383 (cited by Labcorp Genetics (formerly Invitae), Labcorp); PubMed 21421862 (cited by Labcorp Genetics (formerly Invitae), Labcorp and OMIM).